The following is an entry in ClinVar:

ClinVar aggregate classification (germline): Uncertain significance (1 of 4 stars; one submission).

Conditions:
Primary ciliary dyskinesia. Also called: Ciliary dyskinesia. Identifiers: Orphanet 244, MedGen C0008780, MONDO:0016575, HP:0012265.

Submission:

Labcorp Genetics (formerly Invitae), Labcorp
Classification: Uncertain significance for Primary ciliary dyskinesia. Last evaluated: 2024-05-20. Review status: criteria provided, single submitter. Criteria: Invitae Variant Classification Sherloc (09022015). Collection method: clinical testing. Allele origin: germline.
Comment: This sequence change falls in intron 83 of the DNAH8 gene. It does not directly change the encoded amino acid sequence of the DNAH8 protein. It affects a nucleotide within the consensus splice site. This variant is not present in population databases (gnomAD no frequency). This variant has not been reported in the literature in individuals affected with DNAH8-related conditions. Variants that disrupt the consensus splice site are a relatively common cause of aberrant splicing (PMID: 17576681, 9536098). Algorithms developed to predict the effect of sequence changes on RNA splicing suggest that this variant may disrupt the consensus splice site. In summary, the available evidence is currently insufficient to determine the role of this variant in disease. Therefore, it has been classified as a Variant of Uncertain Significance.

Literature cited by the submitters: PubMed 17576681; PubMed 9536098.

NM_001206927.2(DNAH8):c.12525+5G>A

Gene: DNAH8 (dynein axonemal heavy chain 8; plus strand). Cytogenetic location: 6p21.2.
Variant type: single nucleotide variant.
Coding change: c.12525+5G>A on transcript NM_001206927.2 (MANE Select); 5 bases into the intron after coding-DNA position 12525, G replaced by A.
Molecular consequence: intron variant.
Genome position (GRCh38, 1-based): chr6:38,971,670, G>A. VCF-style: chr6-38971670-G-A. GRCh37 (hg19) VCF-style: chr6-38939446-G-A.
Other names: c.11874+5G>A (NM_001371.4).
Identifiers: ClinVar variation 3614341 (VCV003614341.2).